The following is an entry in ClinVar:

NM_000350.3(ABCA4):c.4516G>A (p.Ala1506Thr)

Gene: ABCA4 (ATP binding cassette subfamily A member 4; minus strand). Cytogenetic location: 1p22.1.
Variant type: single nucleotide variant.
Coding change: c.4516G>A on transcript NM_000350.3 (MANE Select); coding-DNA position 4516, G replaced by A.
Protein change: p.Ala1506Thr; replaces alanine 1506 with threonine.
Molecular consequence: missense variant.
Genome position (GRCh38, 1-based): chr1:94,029,468, C>T on the plus strand (G>A on the coding strand, the complement: ABCA4 is on the minus strand). VCF-style: chr1-94029468-C-T. GRCh37 (hg19) VCF-style: chr1-94495024-C-T.
Other names: c.4294G>A, p.Ala1432Thr (NM_001425324.1); short protein forms A1506T, A1432T.
Identifiers: ClinVar variation 1062948 (VCV001062948.7), dbSNP rs1243394849, ClinGen allele CA341284801.

ClinVar aggregate classification (germline): Uncertain significance. Review status: criteria provided, multiple submitters, no conflicts (2 of 4 stars). 2 submissions from 2 submitters: Uncertain significance (2). Last evaluated 2024-05-02.

Allele frequency attached by ClinVar (database versions not stated): TOPMed below 0.00001; gnomAD 0.00001.
gnomAD v4.1: 1 of 1,564,232 alleles (0.000064%); highest among the groups gnomAD compares: East Asian, 0.0023%; no homozygotes.

Submissions (2):

Women's Health and Genetics/Laboratory Corporation of America, LabCorp
Classification: Uncertain significance. Last evaluated: 2024-05-02. Review status: criteria provided, single submitter. Criteria: LabCorp Variant Classification Summary - May 2015. Collection method: clinical testing. Allele origin: germline.
Comment: Variant summary: ABCA4 c.4516G>A (p.Ala1506Thr) results in a non-conservative amino acid change in the encoded protein sequence. Three of five in-silico tools predict a damaging effect of the variant on protein function. The variant allele was found at a frequency of 3.2e-05 in 31400 control chromosomes. The available data on variant occurrences in the general population are insufficient to allow any conclusion about variant significance. c.4516G>A has been reported in the literature in at least one individual affected with Stargardt disease (e.g. Fujinami_2019). This report does not provide unequivocal conclusions about association of the variant with Stargardt disease. To our knowledge, no experimental evidence demonstrating an impact on protein function has been reported. The following publication has been ascertained in the context of this evaluation (PMID: 29925512). ClinVar contains an entry for this variant (Variation ID: 1062948). Based on the evidence outlined above, the variant was classified as uncertain significance.

Labcorp Genetics (formerly Invitae), Labcorp
Classification: Uncertain significance. Last evaluated: 2022-01-22. Review status: criteria provided, single submitter. Criteria: Invitae Variant Classification Sherloc (09022015). Collection method: clinical testing. Allele origin: germline.
Comment: This sequence change replaces alanine, which is neutral and non-polar, with threonine, which is neutral and polar, at codon 1506 of the ABCA4 protein (p.Ala1506Thr). This variant is present in population databases (no rsID available, gnomAD 0.06%). This missense change has been observed in individual(s) with clinical features of Stargardt disease (PMID: 29925512). ClinVar contains an entry for this variant (Variation ID: 1062948). Advanced modeling of protein sequence and biophysical properties (such as structural, functional, and spatial information, amino acid conservation, physicochemical variation, residue mobility, and thermodynamic stability) performed at Invitae indicates that this missense variant is expected to disrupt ABCA4 protein function. In summary, the available evidence is currently insufficient to determine the role of this variant in disease. Therefore, it has been classified as a Variant of Uncertain Significance.

Literature cited by the submitters: PubMed 29925512 (cited by Women's Health and Genetics/Laboratory Corporation of America, LabCorp and Labcorp Genetics (formerly Invitae), Labcorp).